The following is an entry in ClinVar:

NM_019842.4(KCNQ5):c.1604G>A (p.Arg535Gln)

Gene: KCNQ5 (potassium voltage-gated channel subfamily Q member 5; plus strand). Cytogenetic location: 6q13.
Variant type: single nucleotide variant.
Coding change: c.1604G>A on transcript NM_019842.4 (MANE Select); coding-DNA position 1604, G replaced by A.
Protein change: p.Arg535Gln; replaces arginine 535 with glutamine.
Molecular consequence: missense variant.
Genome position (GRCh38, 1-based): chr6:73,190,599, G>A. VCF-style: chr6-73190599-G-A. GRCh37 (hg19) VCF-style: chr6-73900322-G-A.
Other names: c.1577G>A, p.Arg526Gln (NM_001160130.2); c.1634G>A, p.Arg545Gln (NM_001160132.2); c.1661G>A, p.Arg554Gln (NM_001160133.2); c.1274G>A, p.Arg425Gln (NM_001160134.2); c.1661G>A (NM_001160133.1); short protein forms R526Q, R535Q, R545Q, R425Q, R554Q.
Identifiers: ClinVar variation 1899505 (VCV001899505.8), dbSNP rs1358941689, ClinGen allele CA364692989.

ClinVar aggregate classification (germline): Uncertain significance. Review status: criteria provided, multiple submitters, no conflicts (2 of 4 stars). 2 submissions from 2 submitters: Uncertain significance (2). Last evaluated 2022-05-27.

Conditions:
Intellectual developmental disorder, autosomal dominant 46. Also called: Intellectual disability, autosomal dominant 46; MENTAL RETARDATION, AUTOSOMAL DOMINANT 46. Identifiers: MedGen C4539851, MONDO:0030911, OMIM 617601.

Allele frequency attached by ClinVar (database versions not stated): gnomAD 0.00002; TOPMed 0.00002.
gnomAD v4.1: 30 of 1,520,112 alleles (0.002%); highest among the groups gnomAD compares: South Asian, 0.0025%; no homozygotes.

Submissions (2):

Labcorp Genetics (formerly Invitae), Labcorp
Classification: Uncertain significance. Last evaluated: 2022-05-27. Review status: criteria provided, single submitter. Criteria: Invitae Variant Classification Sherloc (09022015). Collection method: clinical testing. Allele origin: germline.
Comment: This variant has not been reported in the literature in individuals affected with KCNQ5-related conditions. In summary, the available evidence is currently insufficient to determine the role of this variant in disease. Therefore, it has been classified as a Variant of Uncertain Significance. Advanced modeling of protein sequence and biophysical properties (such as structural, functional, and spatial information, amino acid conservation, physicochemical variation, residue mobility, and thermodynamic stability) performed at Invitae indicates that this missense variant is expected to disrupt KCNQ5 protein function. The frequency data for this variant in the population databases is considered unreliable, as metrics indicate poor data quality at this position in the gnomAD database. This sequence change replaces arginine, which is basic and polar, with glutamine, which is neutral and polar, at codon 554 of the KCNQ5 protein (p.Arg554Gln).

Revvity Omics, Revvity
Classification: Uncertain significance for Intellectual developmental disorder, autosomal dominant 46. Last evaluated: 2020-02-07. Review status: criteria provided, single submitter. Criteria: ACMG Guidelines, 2015. Collection method: clinical testing. Allele origin: germline.